The following is an entry in ClinVar:

NM_004820.5(CYP7B1):c.359A>C (p.Glu120Ala)

Gene: CYP7B1 (cytochrome P450 family 7 subfamily B member 1; minus strand). Cytogenetic location: 8q12.3.
Variant type: single nucleotide variant.
Coding change: c.359A>C on transcript NM_004820.5 (MANE Select); coding-DNA position 359, A replaced by C.
Protein change: p.Glu120Ala; replaces glutamic acid 120 with alanine.
Molecular consequence: missense variant.
Genome position (GRCh38, 1-based): chr8:64,616,182, T>G on the plus strand (A>C on the coding strand, the complement: CYP7B1 is on the minus strand). VCF-style: chr8-64616182-T-G. GRCh37 (hg19) VCF-style: chr8-65528739-T-G.
Other names: c.359A>C, p.Glu120Ala (NM_001324112.2); short protein forms E120A.
Identifiers: ClinVar variation 1359174 (VCV001359174.8), dbSNP rs2129630220, ClinGen allele CA371336006.

ClinVar aggregate classification (germline): Uncertain significance (1 of 4 stars; one submission).

Conditions:
Spastic paraplegia. Identifiers: MedGen C0037772, HP:0001258.

Allele frequency attached by ClinVar (database versions not stated): gnomAD exomes below 0.00001.
gnomAD v4.1: 2 of 1,612,142 alleles (0.00012%); highest among the groups gnomAD compares: African/African-American, 0.0027%; no homozygotes.

Submission:

Labcorp Genetics (formerly Invitae), Labcorp
Classification: Uncertain significance for Spastic paraplegia. Last evaluated: 2021-06-05. Review status: criteria provided, single submitter. Criteria: Invitae Variant Classification Sherloc (09022015). Collection method: clinical testing. Allele origin: germline.
Comment: In summary, the available evidence is currently insufficient to determine the role of this variant in disease. Therefore, it has been classified as a Variant of Uncertain Significance. Algorithms developed to predict the effect of missense changes on protein structure and function output the following: SIFT: "Tolerated"; PolyPhen-2: "Benign"; Align-GVGD: "Class C0". The alanine amino acid residue is found in multiple mammalian species, suggesting that this missense change does not adversely affect protein function. These predictions have not been confirmed by published functional studies and their clinical significance is uncertain. This variant has not been reported in the literature in individuals with CYP7B1-related conditions. This variant is not present in population databases (ExAC no frequency). This sequence change replaces glutamic acid with alanine at codon 120 of the CYP7B1 protein (p.Glu120Ala). The glutamic acid residue is weakly conserved and there is a moderate physicochemical difference between glutamic acid and alanine.